The following is an entry in ClinVar:

ClinVar aggregate classification (germline): Uncertain significance (1 of 4 stars; one submission).

Conditions:
PAX4-related disorder. Also called: PAX4-related condition.

Submission:

PreventionGenetics, part of Exact Sciences
Classification: Uncertain significance for PAX4-related condition. Last evaluated: 2026-01-12. Review status: criteria provided, single submitter. Criteria: ACMG Guidelines, 2015. Collection method: clinical testing. Allele origin: germline.
Comment: The PAX4 c.398G>A variant is predicted to result in the amino acid substitution p.Arg133Gln. To our knowledge, this variant has not been reported in the literature. This variant is reported in 0.018% of alleles in individuals of African descent in gnomAD. At this time, the clinical significance of this variant is uncertain due to the absence of conclusive functional and genetic evidence.

NM_001366110.1(PAX4):c.422G>A (p.Arg141Gln)

Gene: PAX4 (paired box 4; minus strand). Cytogenetic location: 7q32.1.
Variant type: single nucleotide variant.
Coding change: c.422G>A on transcript NM_001366110.1 (MANE Select); coding-DNA position 422, G replaced by A.
Protein change: p.Arg141Gln; replaces arginine 141 with glutamine.
Molecular consequence: missense variant.
Genome position (GRCh38, 1-based): chr7:127,614,496, C>T on the plus strand (G>A on the coding strand, the complement: PAX4 is on the minus strand). VCF-style: chr7-127614496-C-T. GRCh37 (hg19) VCF-style: chr7-127254550-C-T.
Other names: NM_006193.2:c.398G>A; c.422G>A, p.Arg141Gln (NM_001366111.1); short protein forms R141Q.
Identifiers: ClinVar variation 4990151 (VCV004990151.1).